The following is an entry in ClinVar:

ClinVar aggregate classification (germline): Uncertain significance (1 of 4 stars; one submission).

Submission:

Ambry Genetics
Classification: Uncertain significance. Last evaluated: 2026-05-02. Review status: criteria provided, single submitter. Criteria: Ambry Variant Classification Scheme 2023. Collection method: clinical testing. Allele origin: germline.
Comment: The p.D970G variant (also known as c.2909A>G), located in coding exon 26 of the KIF1B gene, results from an A to G substitution at nucleotide position 2909. The aspartic acid at codon 970 is replaced by glycine, an amino acid with similar properties. This amino acid position is conserved. In addition, this alteration is predicted to be deleterious by in silico analysis. Based on the available evidence, the clinical significance of this variant remains unclear.

NM_001365951.3(KIF1B):c.3047A>G (p.Asp1016Gly)

Gene: KIF1B (kinesin family member 1B; plus strand). Cytogenetic location: 1p36.22.
Variant type: single nucleotide variant.
Coding change: c.3047A>G on transcript NM_001365951.3 (MANE Select); coding-DNA position 3047, A replaced by G.
Protein change: p.Asp1016Gly; replaces aspartic acid 1016 with glycine.
Molecular consequence: missense variant.
Genome position (GRCh38, 1-based): chr1:10,336,660, A>G. VCF-style: chr1-10336660-A-G. GRCh37 (hg19) VCF-style: chr1-10396718-A-G.
Other names: c.3047A>G, p.Asp1016Gly (NM_001365952.1); c.2909A>G, p.Asp970Gly (NM_015074.3); short protein forms D1016G, D970G.
Identifiers: ClinVar variation 4858853 (VCV004858853.1).
Genomic context (GRCh38, chr1:10,336,660, plus strand): 5'-CCTCCCTCCCCCTGTGTAGTCTCACTCAATTCTTGCTAATTTTTTTTTCTGCTTTAGCGG[A>G]TGAAGAAGCTCCTGATTATGGCTCTGGAATTCGACAGTCAGGAACAGCTAAAATATCTTT-3'
Protein context (NP_001352880.1, residues 1006-1026): LRVAVQAIAA[Asp1016Gly]EEAPDYGSGI